The following is an entry in ClinVar:

ClinVar aggregate classification (germline): Uncertain significance (1 of 4 stars; one submission).

Allele frequency attached by ClinVar (database versions not stated): gnomAD 0.00001; TOPMed 0.00002.
gnomAD v4.1: 12 of 1,613,956 alleles (0.00074%); highest among the groups gnomAD compares: Admixed American, 0.0033%; no homozygotes.

Submission:

Labcorp Genetics (formerly Invitae), Labcorp
Classification: Uncertain significance. Last evaluated: 2022-03-12. Review status: criteria provided, single submitter. Criteria: Invitae Variant Classification Sherloc (09022015). Collection method: clinical testing. Allele origin: germline.
Comment: This sequence change replaces aspartic acid, which is acidic and polar, with histidine, which is basic and polar, at codon 52 of the EYS protein (p.Asp52His). This variant is present in population databases (no rsID available, gnomAD no frequency). This variant has not been reported in the literature in individuals affected with EYS-related conditions. Algorithms developed to predict the effect of missense changes on protein structure and function output the following: SIFT: "Tolerated"; PolyPhen-2: "Possibly Damaging"; Align-GVGD: "Class C0". The histidine amino acid residue is found in multiple mammalian species, which suggests that this missense change does not adversely affect protein function. In summary, the available evidence is currently insufficient to determine the role of this variant in disease. Therefore, it has been classified as a Variant of Uncertain Significance.

NM_001142800.2(EYS):c.154G>C (p.Asp52His)

Gene: EYS (eyes shut homolog; minus strand). Cytogenetic location: 6q12.
Variant type: single nucleotide variant.
Coding change: c.154G>C on transcript NM_001142800.2 (MANE Select); coding-DNA position 154, G replaced by C.
Protein change: p.Asp52His; replaces aspartic acid 52 with histidine.
Molecular consequence: missense variant.
Genome position (GRCh38, 1-based): chr6:65,495,257, C>G on the plus strand (G>C on the coding strand, the complement: EYS is on the minus strand). VCF-style: chr6-65495257-C-G. GRCh37 (hg19) VCF-style: chr6-66205150-C-G.
Other names: c.154G>C, p.Asp52His (NM_001142801.2, NM_001292009.2, NM_198283.2); short protein forms D52H.
Identifiers: ClinVar variation 1912423 (VCV001912423.2), dbSNP rs749994406, ClinGen allele CA364790534.